The following is an entry in ClinVar:

NM_001868.4(CPA1):c.964C>A (p.Pro322Thr)

Gene: CPA1 (carboxypeptidase A1; plus strand). Cytogenetic location: 7q32.2.
Variant type: single nucleotide variant.
Coding change: c.964C>A on transcript NM_001868.4 (MANE Select); coding-DNA position 964, C replaced by A.
Protein change: p.Pro322Thr; replaces proline 322 with threonine.
Molecular consequence: missense variant.
Genome position (GRCh38, 1-based): chr7:130,385,322, C>A. VCF-style: chr7-130385322-C-A. GRCh37 (hg19) VCF-style: chr7-130025163-C-A.
Other names: short protein forms P322T.
Identifiers: ClinVar variation 5034921 (VCV005034921.1).
Genomic context (GRCh38, chr7:130,385,322, plus strand): 5'-TTCATCTCCATCCACAGCTACTCCCAGCTCCTCATGTATCCCTATGGCTACAAAACAGAA[C>A]CAGTCCCTGACCAGGATGAGCTGGTAGGCACTGACCTCGGCTTGCCCCCTCGTCCCCAAG-3'
Protein context (NP_001859.1, residues 312-332): LMYPYGYKTE[Pro322Thr]VPDQDELDQL

ClinVar aggregate classification (germline): Uncertain significance (1 of 4 stars; one submission).

Conditions:
Hereditary pancreatitis (PCTT). Also called: Hereditary chronic pancreatitis; PRSS1-Related Hereditary Pancreatitis. Identifiers: Orphanet 676, MedGen C0238339, MONDO:0008185, OMIM 167800.

Submission:

Ambry Genetics
Classification: Uncertain significance for Hereditary pancreatitis. Last evaluated: 2026-08-31. Review status: criteria provided, single submitter. Criteria: Ambry Variant Classification Scheme 2023. Collection method: clinical testing. Allele origin: germline.
Comment: The p.P322T variant (also known as c.964C>A), located in coding exon 8 of the CPA1 gene, results from a C to A substitution at nucleotide position 964. The proline at codon 322 is replaced by threonine, an amino acid with highly similar properties. This amino acid position is conserved. In addition, this alteration is predicted to be tolerated by in silico analysis. Based on the available evidence, the clinical significance of this variant remains unclear.